The following is an entry in ClinVar:

NM_001372076.1(PAX9):c.774A>T (p.Ala258=)

Gene: PAX9 (paired box 9; plus strand). Cytogenetic location: 14q13.3.
Variant type: single nucleotide variant.
Coding change: c.774A>T on transcript NM_001372076.1 (MANE Select); coding-DNA position 774, A replaced by T.
Protein change: p.Ala258=; no amino-acid change (alanine 258 retained).
Molecular consequence: synonymous variant.
Genome position (GRCh38, 1-based): chr14:36,676,200, A>T. VCF-style: chr14-36676200-A-T. GRCh37 (hg19) VCF-style: chr14-37145405-A-T.
Other names: c.774A>T, p.Ala258= (NM_006194.4).
Identifiers: ClinVar variation 742437 (VCV000742437.6), dbSNP rs750664427, ClinGen allele CA7159095.

ClinVar aggregate classification (germline): Likely benign. Review status: criteria provided, multiple submitters, no conflicts (2 of 4 stars). 2 submissions from 2 submitters: Likely benign (2). Last evaluated 2026-06-01.

Conditions:
Hypodontia. Also called: Partial congenital absence of teeth; Tooth agenesis, selective. Identifiers: Orphanet 99798, MedGen C0020608, MONDO:0005486, HP:0000668. Disease mechanism: loss of function.

Allele frequency attached by ClinVar (database versions not stated): gnomAD exomes 0.00001 and 0.00006; gnomAD 0.00006 and 0.00007; ExAC 0.00007; TOPMed 0.00007.
gnomAD v4.1: 37 of 1,613,992 alleles (0.0023%); highest among the groups gnomAD compares: Middle Eastern, 0.033%; 1 homozygote.

Submissions (2):

CeGaT Center for Human Genetics Tuebingen
Classification: Likely benign. Last evaluated: 2026-06-01. Review status: criteria provided, single submitter. Criteria: CeGaT Center For Human Genetics Tuebingen Variant Classification Criteria Version 2. Collection method: clinical testing. Allele origin: germline. Affected: yes. Observed: 1 variant allele.
Comment: PAX9: BP4

Labcorp Genetics (formerly Invitae), Labcorp
Classification: Likely benign for Partial congenital absence of teeth. Last evaluated: 2019-12-31. Review status: criteria provided, single submitter. Criteria: Invitae Variant Classification Sherloc (09022015). Collection method: clinical testing. Allele origin: germline.